The following is an entry in ClinVar:

ClinVar aggregate classification (germline): Pathogenic (1 of 4 stars; one submission).

Conditions:
Aortic valve disease 2 (AOVD2). Identifiers: MedGen C3542024, MONDO:0013902, OMIM 614823.

Submission:

Labcorp Genetics (formerly Invitae), Labcorp
Classification: Pathogenic for Aortic valve disease 2. Last evaluated: 2021-08-14. Review status: criteria provided, single submitter. Criteria: Invitae Variant Classification Sherloc (09022015). Collection method: clinical testing. Allele origin: germline.
Comment: Donor and acceptor splice site variants typically lead to a loss of protein function (PMID: 16199547), and loss-of-function variants in TBX5 are known to be pathogenic (PMID: 16183809, 16917909). For these reasons, this variant has been classified as Pathogenic. Algorithms developed to predict the effect of sequence changes on RNA splicing suggest that this variant may disrupt the consensus splice site, but this prediction has not been confirmed by published transcriptional studies. Disruption of this splice site has been observed in individual(s) with clinical features of Holt-Oram syndrome (PMID: 15710732, 30538526). In at least one individual the variant was observed to be de novo. This variant is not present in population databases (ExAC no frequency). This sequence change affects an acceptor splice site in intron 3 of the TBX5 gene. It is expected to disrupt RNA splicing and likely results in an absent or disrupted protein product.

Literature cited by the submitters: PubMed 16199547; PubMed 16183809; PubMed 16917909; PubMed 15710732; PubMed 30538526.

NM_181486.4(TBX5):c.243-2A>G

Gene: TBX5 (T-box transcription factor 5; minus strand). Cytogenetic location: 12q24.21.
Variant type: single nucleotide variant.
Coding change: c.243-2A>G on transcript NM_181486.4 (MANE Select); the canonical splice acceptor site of the intron before coding-DNA position 243, A replaced by G.
Molecular consequence: splice acceptor variant.
Genome position (GRCh38, 1-based): chr12:114,399,634, T>C on the plus strand (A>G on the coding strand, the complement: TBX5 is on the minus strand). VCF-style: chr12-114399634-T-C. GRCh37 (hg19) VCF-style: chr12-114837439-T-C.
Other names: c.93-2A>G (NM_080717.4); c.243-2A>G (NM_000192.3).
Identifiers: ClinVar variation 1071999 (VCV001071999.9), dbSNP rs2136418310, ClinGen allele CA386862950.
Genomic context (GRCh38, chr12:114,399,634, plus strand): 5'-TGTACTTCGTTTTGGGATTAAGGCCCGTCACCTTCACTTTGTAACTGGGAAACATCCGCC[T>C]AAGAGAGAGGGACGGAGGGAGAGAGGGGGGCGGGAATTAATGCCAGTATTTTAAGGCAGC-3'